The following is an entry in ClinVar:

NM_001135649.3(FOXI3):c.748G>A (p.Val250Met)

Gene: FOXI3 (forkhead box I3; minus strand). Cytogenetic location: 2p11.2.
Variant type: single nucleotide variant.
Coding change: c.748G>A on transcript NM_001135649.3 (MANE Select); coding-DNA position 748, G replaced by A.
Protein change: p.Val250Met; replaces valine 250 with methionine.
Molecular consequence: missense variant.
Genome position (GRCh38, 1-based): chr2:88,448,722, C>T on the plus strand (G>A on the coding strand, the complement: FOXI3 is on the minus strand). VCF-style: chr2-88448722-C-T. GRCh37 (hg19) VCF-style: chr2-88748241-C-T.
Other names: short protein forms V250M.
Identifiers: ClinVar variation 1947088 (VCV001947088.5), dbSNP rs1179419151, ClinGen allele CA347765357.

ClinVar aggregate classification (germline): Uncertain significance (1 of 4 stars; one submission).

Allele frequency attached by ClinVar (database versions not stated): gnomAD exomes 0.00001.

Submission:

Labcorp Genetics (formerly Invitae), Labcorp
Classification: Uncertain significance. Last evaluated: 2024-03-23. Review status: criteria provided, single submitter. Criteria: Invitae Variant Classification Sherloc (09022015). Collection method: clinical testing. Allele origin: germline.
Comment: This sequence change replaces valine, which is neutral and non-polar, with methionine, which is neutral and non-polar, at codon 250 of the FOXI3 protein (p.Val250Met). This variant is present in population databases (no rsID available, gnomAD 0.002%). This variant has not been reported in the literature in individuals affected with FOXI3-related conditions. ClinVar contains an entry for this variant (Variation ID: 1947088). Experimental studies and prediction algorithms are not available or were not evaluated, and the functional significance of this variant is currently unknown. In summary, the available evidence is currently insufficient to determine the role of this variant in disease. Therefore, it has been classified as a Variant of Uncertain Significance.